The following is an entry in ClinVar:

NM_003331.5(TYK2):c.985G>A (p.Val329Ile)

Gene: TYK2 (tyrosine kinase 2; minus strand). Cytogenetic location: 19p13.2.
Variant type: single nucleotide variant.
Coding change: c.985G>A on transcript NM_003331.5 (MANE Select); coding-DNA position 985, G replaced by A.
Protein change: p.Val329Ile; replaces valine 329 with isoleucine.
Molecular consequence: missense variant.
Genome position (GRCh38, 1-based): chr19:10,365,543, C>T on the plus strand (G>A on the coding strand, the complement: TYK2 is on the minus strand). VCF-style: chr19-10365543-C-T. GRCh37 (hg19) VCF-style: chr19-10476219-C-T.
Other names: c.985G>A, p.Val329Ile (NM_001385197.1, NM_001385198.1, NM_001385199.1 and 7 more transcripts); c.895G>A, p.Val299Ile (NM_001385205.1); short protein forms V299I, V329I.
Identifiers: ClinVar variation 1008625 (VCV001008625.7), dbSNP rs759288032, ClinGen allele CA305207003.

ClinVar aggregate classification (germline): Uncertain significance. Review status: criteria provided, multiple submitters, no conflicts (2 of 4 stars). 2 submissions from 2 submitters: Uncertain significance (2). Last evaluated 2022-06-18.

Conditions:
Immunodeficiency 35 (IMD35). Also called: TYK2 DEFICIENCY; Susceptibility to infection due to TYK2 deficiency; HIES WITH ATYPICAL MYCOBACTERIOSIS, AUTOSOMAL RECESSIVE; HYPER-IgE SYNDROME WITH ATYPICAL MYCOBACTERIOSIS, AUTOSOMAL RECESSIVE. Identifiers: Orphanet 331226, MedGen C1969086, MONDO:0012682, OMIM 611521.

Allele frequency attached by ClinVar (database versions not stated): gnomAD exomes below 0.00001; TOPMed 0.00002.
gnomAD v4.1: 73 of 1,613,982 alleles (0.0045%); highest among the groups gnomAD compares: Non-Finnish European, 0.0058%; no homozygotes.

Submissions (2):

Labcorp Genetics (formerly Invitae), Labcorp
Classification: Uncertain significance for Immunodeficiency 35. Last evaluated: 2022-06-18. Review status: criteria provided, single submitter. Criteria: Invitae Variant Classification Sherloc (09022015). Collection method: clinical testing. Allele origin: germline.
Comment: This sequence change replaces valine, which is neutral and non-polar, with isoleucine, which is neutral and non-polar, at codon 329 of the TYK2 protein (p.Val329Ile). This variant is present in population databases (rs759288032, gnomAD 0.0009%). This variant has not been reported in the literature in individuals affected with TYK2-related conditions. ClinVar contains an entry for this variant (Variation ID: 1008625). Algorithms developed to predict the effect of missense changes on protein structure and function output the following: SIFT: "Not Available"; PolyPhen-2: "Benign"; Align-GVGD: "Not Available". The isoleucine amino acid residue is found in multiple mammalian species, which suggests that this missense change does not adversely affect protein function. In summary, the available evidence is currently insufficient to determine the role of this variant in disease. Therefore, it has been classified as a Variant of Uncertain Significance.

Baylor Genetics
Classification: Uncertain significance for Immunodeficiency 35. Last evaluated: 2018-04-18. Review status: criteria provided, single submitter. Criteria: ACMG Guidelines, 2015. Collection method: clinical testing. Allele origin: unknown. Affected: yes.
Comment: This variant was determined to be of uncertain significance according to ACMG Guidelines, 2015 [PMID:25741868].